The following is an entry in ClinVar:

NM_005188.4(CBL):c.1061A>G (p.Glu354Gly)

Gene: CBL (Cbl proto-oncogene; plus strand). Cytogenetic location: 11q23.3.
Variant type: single nucleotide variant.
Coding change: c.1061A>G on transcript NM_005188.4 (MANE Select); coding-DNA position 1061, A replaced by G.
Protein change: p.Glu354Gly; replaces glutamic acid 354 with glycine.
Molecular consequence: missense variant.
Genome position (GRCh38, 1-based): chr11:119,277,810, A>G. VCF-style: chr11-119277810-A-G. GRCh37 (hg19) VCF-style: chr11-119148520-A-G.
Other names: short protein forms E354G.
Identifiers: ClinVar variation 1699868 (VCV001699868.2), dbSNP rs2135302977, ClinGen allele CA382911981.

ClinVar aggregate classification (germline): Uncertain significance (1 of 4 stars; one submission).

Submission:

GeneDx
Classification: Uncertain significance. Last evaluated: 2022-01-27. Review status: criteria provided, single submitter. Criteria: GeneDx Variant Classification Process June 2021. Collection method: clinical testing. Allele origin: germline. Affected: yes.
Comment: Not observed at significant frequency in large population cohorts (gnomAD); In silico analysis supports that this missense variant has a deleterious effect on protein structure/function; Has not been previously published as pathogenic or benign to our knowledge